The following is an entry in ClinVar:

NM_001130009.3(GEN1):c.1448A>C (p.Glu483Ala)

Gene: GEN1 (GEN1 structure-specific endonuclease; plus strand). Cytogenetic location: 2p24.2.
Variant type: single nucleotide variant.
Coding change: c.1448A>C on transcript NM_001130009.3 (MANE Select); coding-DNA position 1448, A replaced by C.
Protein change: p.Glu483Ala; replaces glutamic acid 483 with alanine.
Molecular consequence: missense variant.
Genome position (GRCh38, 1-based): chr2:17,780,660, A>C. VCF-style: chr2-17780660-A-C. GRCh37 (hg19) VCF-style: chr2-17961927-A-C.
Other names: c.1448A>C, p.Glu483Ala (NM_182625.5); short protein forms E483A.
Identifiers: ClinVar variation 4671518 (VCV004671518.1).

ClinVar aggregate classification (germline): Uncertain significance (1 of 4 stars; one submission).

Submission:

Ambry Genetics
Classification: Uncertain significance. Last evaluated: 2025-11-30. Review status: criteria provided, single submitter. Criteria: Ambry Variant Classification Scheme 2023. Collection method: clinical testing. Allele origin: germline.
Comment: The p.E483A variant (also known as c.1448A>C), located in coding exon 13 of the GEN1 gene, results from an A to C substitution at nucleotide position 1448. The glutamic acid at codon 483 is replaced by alanine, an amino acid with dissimilar properties. This amino acid position is conserved. In addition, this alteration is predicted to be tolerated by in silico analysis. Based on the available evidence, the clinical significance of this variant remains unclear.